The following is an entry in ClinVar:

NM_004482.4(GALNT3):c.1204G>A (p.Gly402Ser)

Gene: GALNT3 (polypeptide N-acetylgalactosaminyltransferase 3; minus strand). Cytogenetic location: 2q24.3.
Variant type: single nucleotide variant.
Coding change: c.1204G>A on transcript NM_004482.4 (MANE Select); coding-DNA position 1204, G replaced by A.
Protein change: p.Gly402Ser; replaces glycine 402 with serine.
Molecular consequence: missense variant.
Genome position (GRCh38, 1-based): chr2:165,757,235, C>T on the plus strand (G>A on the coding strand, the complement: GALNT3 is on the minus strand). VCF-style: chr2-165757235-C-T. GRCh37 (hg19) VCF-style: chr2-166613745-C-T.
Other names: short protein forms G402S.
Identifiers: ClinVar variation 2168539 (VCV002168539.3), dbSNP rs2467867049, ClinGen allele CA349035362.

ClinVar aggregate classification (germline): Uncertain significance (1 of 4 stars; one submission).

Allele frequency attached by ClinVar (database versions not stated): gnomAD exomes below 0.00001.
gnomAD v4.1: 1 of 1,613,818 alleles (0.000062%); highest among the groups gnomAD compares: Admixed American, 0.0017%; no homozygotes.

Submission:

Labcorp Genetics (formerly Invitae), Labcorp
Classification: Uncertain significance. Last evaluated: 2025-07-30. Review status: criteria provided, single submitter. Criteria: Invitae Variant Classification Sherloc (09022015). Collection method: clinical testing. Allele origin: germline.
Comment: This sequence change replaces glycine, which is neutral and non-polar, with serine, which is neutral and polar, at codon 402 of the GALNT3 protein (p.Gly402Ser). This variant is not present in population databases (gnomAD no frequency). This variant has not been reported in the literature in individuals affected with GALNT3-related conditions. ClinVar contains an entry for this variant (Variation ID: 2168539). Invitae Evidence Modeling of protein sequence and biophysical properties (such as structural, functional, and spatial information, amino acid conservation, physicochemical variation, residue mobility, and thermodynamic stability) indicates that this missense variant is not expected to disrupt GALNT3 protein function with a negative predictive value of 80%. In summary, the available evidence is currently insufficient to determine the role of this variant in disease. Therefore, it has been classified as a Variant of Uncertain Significance.